The following is an entry in ClinVar:

NM_003242.6(TGFBR2):c.264-11C>T

Gene: TGFBR2 (transforming growth factor beta receptor 2; plus strand). Cytogenetic location: 3p24.1.
Variant type: single nucleotide variant.
Coding change: c.264-11C>T on transcript NM_003242.6 (MANE Select); 11 bases into the intron before coding-DNA position 264, C replaced by T.
Molecular consequence: intron variant.
Genome position (GRCh38, 1-based): chr3:30,650,259, C>T. VCF-style: chr3-30650259-C-T. GRCh37 (hg19) VCF-style: chr3-30691751-C-T.
Other names: c.159-11C>T (NM_001407129.1, NM_001407132.1, NM_001407136.1 and 3 more transcripts); c.339-11C>T (NM_001407126.1, NM_001024847.3, NM_001407139.1); c.170-21379C>T (NM_001407137.1); c.264-11C>T (NM_001407127.1, NM_001407130.1); c.95-21379C>T (NM_001407138.1); c.291-11C>T (NM_001407128.1).
Identifiers: ClinVar variation 925727 (VCV000925727.4), dbSNP rs911305377, ClinGen allele CA71503177.

ClinVar aggregate classification (germline): Likely benign. Review status: criteria provided, multiple submitters, no conflicts (2 of 4 stars). 2 submissions from 2 submitters: Likely benign (2). Last evaluated 2020-01-14.

Conditions:
Diabetic retinopathy. Identifiers: MedGen C0011884, MONDO:0005266.
Familial thoracic aortic aneurysm and aortic dissection (TAAD). Also called: Thoracic aortic aneurysms and dissections. Identifiers: Orphanet 91387, MedGen C4707243, MONDO:0019625.

Allele frequency attached by ClinVar (database versions not stated): TOPMed 0.00001.

Submissions (2):

Color Diagnostics, LLC DBA Color Health
Classification: Likely benign for Familial thoracic aortic aneurysm and aortic dissection. Last evaluated: 2020-01-14. Review status: criteria provided, single submitter. Criteria: ACMG Guidelines, 2015. Collection method: clinical testing. Allele origin: germline.

Clinical Genomics, Uppaluri K&H Personalized Medicine Clinic
Classification: Likely benign for Diabetic retinopathy. Review status: criteria provided, single submitter. Criteria: K And H Uppaluri Personalized Medicine Clinic Variant Classification And Assertion Criteria Updated V 2. Collection method: research. Allele origin: unknown.
Comment: Potent mutations in TGFBR2 gene encodes the transforming growth factor that have been associated with angiogenesis and diabetic retinopathy. More clinical studies are needed for stronger association. However, more evidence is required to confer the association of this particular variant rs911305377 with diabetic retinopathy.

Literature cited by the submitters: PubMed 30222965 (cited by Clinical Genomics, Uppaluri K&H Personalized Medicine Clinic); PubMed 28162229 (cited by Clinical Genomics, Uppaluri K&H Personalized Medicine Clinic); PubMed 34572573 (cited by Clinical Genomics, Uppaluri K&H Personalized Medicine Clinic).